The following is an entry in ClinVar:

ClinVar aggregate classification (germline): Uncertain significance. Review status: criteria provided, multiple submitters, no conflicts (2 of 4 stars). 2 submissions from 2 submitters: Uncertain significance (2). Last evaluated 2025-12-03.

Conditions:
Inborn genetic diseases. Identifiers: MedGen C0950123, MeSH D030342.

Allele frequency attached by ClinVar (database versions not stated): gnomAD exomes below 0.00001.
gnomAD v4.1: 1 of 1,614,210 alleles (0.000062%); no homozygotes.

Submissions (2):

Labcorp Genetics (formerly Invitae), Labcorp
Classification: Uncertain significance. Last evaluated: 2025-12-03. Review status: criteria provided, single submitter. Criteria: Invitae Variant Classification Sherloc (09022015). Collection method: clinical testing. Allele origin: germline.
Comment: This sequence change replaces proline, which is neutral and non-polar, with leucine, which is neutral and non-polar, at codon 131 of the COL11A2 protein (p.Pro131Leu). This variant is not present in population databases (gnomAD no frequency). This variant has not been reported in the literature in individuals affected with COL11A2-related conditions. ClinVar contains an entry for this variant (Variation ID: 2258446). Invitae Evidence Modeling of protein sequence and biophysical properties (such as structural, functional, and spatial information, amino acid conservation, physicochemical variation, residue mobility, and thermodynamic stability) indicates that this missense variant is not expected to disrupt COL11A2 protein function with a negative predictive value of 95%. In summary, the available evidence is currently insufficient to determine the role of this variant in disease. Therefore, it has been classified as a Variant of Uncertain Significance.

Ambry Genetics
Classification: Uncertain significance for Inborn genetic diseases. Last evaluated: 2021-10-29. Review status: criteria provided, single submitter. Criteria: Ambry Variant Classification Scheme 2023. Collection method: clinical testing. Allele origin: germline.

NM_080680.3(COL11A2):c.392C>T (p.Pro131Leu)

Gene: COL11A2 (collagen type XI alpha 2 chain; minus strand). Cytogenetic location: 6p21.32.
Variant type: single nucleotide variant.
Coding change: c.392C>T on transcript NM_080680.3 (MANE Select); coding-DNA position 392, C replaced by T.
Protein change: p.Pro131Leu; replaces proline 131 with leucine.
Molecular consequence: missense variant.
Genome position (GRCh38, 1-based): chr6:33,189,029, G>A on the plus strand (C>T on the coding strand, the complement: COL11A2 is on the minus strand). VCF-style: chr6-33189029-G-A. GRCh37 (hg19) VCF-style: chr6-33156806-G-A.
Other names: c.392C>T, p.Pro131Leu (NM_001163771.2, NM_080679.3, NM_080681.3); short protein forms P131L.
Identifiers: ClinVar variation 2258446 (VCV002258446.3), dbSNP rs1251720059, ClinGen allele CA363612342.